The following is an entry in ClinVar:

ClinVar aggregate classification (germline): Uncertain significance (1 of 4 stars; one submission).

Submission:

Labcorp Genetics (formerly Invitae), Labcorp
Classification: Uncertain significance. Last evaluated: 2021-05-21. Review status: criteria provided, single submitter. Criteria: Invitae Variant Classification Sherloc (09022015). Collection method: clinical testing. Allele origin: germline.
Comment: In summary, the available evidence is currently insufficient to determine the role of this variant in disease. Therefore, it has been classified as a Variant of Uncertain Significance. Algorithms developed to predict the effect of missense changes on protein structure and function are either unavailable or do not agree on the potential impact of this missense change (SIFT: "Deleterious"; PolyPhen-2: "Not Available"; Align-GVGD: "Class C35"). This variant has not been reported in the literature in individuals with ACAN-related conditions. This variant is not present in population databases (ExAC no frequency). This sequence change replaces proline with threonine at codon 442 of the ACAN protein (p.Pro442Thr). The proline residue is highly conserved and there is a small physicochemical difference between proline and threonine.

NM_001369268.1(ACAN):c.1324C>A (p.Pro442Thr)

Gene: ACAN (aggrecan; plus strand). Cytogenetic location: 15q26.1.
Variant type: single nucleotide variant.
Coding change: c.1324C>A on transcript NM_001369268.1 (MANE Select); coding-DNA position 1324, C replaced by A.
Protein change: p.Pro442Thr; replaces proline 442 with threonine.
Molecular consequence: missense variant.
Genome position (GRCh38, 1-based): chr15:88,845,777, C>A. VCF-style: chr15-88845777-C-A. GRCh37 (hg19) VCF-style: chr15-89389008-C-A.
Other names: c.1324C>A, p.Pro442Thr (NM_001135.4, NM_013227.4); short protein forms P442T.
Identifiers: ClinVar variation 1488480 (VCV001488480.8), dbSNP rs2141582438, ClinGen allele CA393709933.